The following is an entry in ClinVar:

ClinVar aggregate classification (germline): Pathogenic/Likely pathogenic. Review status: criteria provided, multiple submitters, no conflicts (2 of 4 stars). 2 submissions from 2 submitters: Pathogenic (1); Likely pathogenic (1). Last evaluated 2025-01-29.

Conditions:
KIZ-related disorder. Also called: KIZ-related condition.

Submissions (2):

Labcorp Genetics (formerly Invitae), Labcorp
Classification: Pathogenic. Last evaluated: 2025-01-29. Review status: criteria provided, single submitter. Criteria: Invitae Variant Classification Sherloc (09022015). Collection method: clinical testing. Allele origin: germline.
Comment: This sequence change creates a premature translational stop signal (p.Asn428Lysfs*11) in the KIZ gene. It is expected to result in an absent or disrupted protein product. Loss-of-function variants in KIZ are known to be pathogenic (PMID: 24680887, 29057815). This variant is present in population databases (rs779818883, gnomAD 0.02%). This variant has not been reported in the literature in individuals affected with KIZ-related conditions. ClinVar contains an entry for this variant (Variation ID: 2151289). For these reasons, this variant has been classified as Pathogenic.

Blueprint Genetics
Classification: Likely pathogenic for KIZ-related disorders. Last evaluated: 2021-01-28. Review status: criteria provided, single submitter. Criteria: ACMG Guidelines, 2015. Collection method: clinical testing. Allele origin: germline. Affected: yes. Observed: 1 variant allele.

Literature cited by the submitters: PubMed 24680887 (cited by Labcorp Genetics (formerly Invitae), Labcorp); PubMed 29057815 (cited by Labcorp Genetics (formerly Invitae), Labcorp).

NM_018474.6(KIZ):c.1283dup (p.Asn428fs)

Gene: KIZ (kizuna centrosomal protein; plus strand). Cytogenetic location: 20p11.23.
Variant type: Duplication.
Coding change: c.1283dup on transcript NM_018474.6 (MANE Select); coding-DNA position 1283, one base duplicated (A; older notation c.1283dupA).
Protein change: p.Asn428fs; shifts the reading frame from asparagine 428.
Molecular consequence: frameshift variant.
Genome position (GRCh38, 1-based): chr20:21,163,090, A duplicated; the last of 7 consecutive A bases (chr20:21,163,084-21,163,090); duplicating any one gives the same sequence. VCF-style (leftmost placement, unchanged base first): chr20-21163083-G-GA. GRCh37 (hg19) VCF-style: chr20-21143724-G-GA.
Other names: c.974dup, p.Asn325fs (NM_001163022.3, NM_001352435.2); c.884dup, p.Asn295fs (NM_001163023.3); c.1136dup, p.Asn379fs (NM_001276389.2); c.1283dup, p.Asn428fs (NM_001352434.2); c.941dup, p.Asn314fs (NM_001352436.2); short protein forms N314fs, N325fs, N295fs, N428fs, N379fs.
Identifiers: ClinVar variation 2151289 (VCV002151289.5), dbSNP rs755731853, ClinGen allele CA9784805.
Genomic context (GRCh38, chr20:21,163,083, plus strand): 5'-GATGGAATAGAGGCCTTAAAATTAATCCATGCTGAGCAAGAAAGAGTTGCCCTATCCACT[G>GA]AAAAAAATTGTATTTTGCAAACCCTAAGCTCTCCTGATTCAGAAAAGGAATCCTCCACTA-3'